The following is an entry in ClinVar:

NM_001429.4(EP300):c.444G>C (p.Thr148=)

Gene: EP300 (EP300 lysine acetyltransferase; plus strand). Cytogenetic location: 22q13.2.
Variant type: single nucleotide variant.
Coding change: c.444G>C on transcript NM_001429.4 (MANE Select); coding-DNA position 444, G replaced by C.
Protein change: p.Thr148=; no amino-acid change (threonine 148 retained).
Molecular consequence: synonymous variant.
Genome position (GRCh38, 1-based): chr22:41,117,536, G>C. VCF-style: chr22-41117536-G-C. GRCh37 (hg19) VCF-style: chr22-41513540-G-C.
Other names: c.444G>C, p.Thr148= (NM_001362843.2).
Identifiers: ClinVar variation 3048265 (VCV003048265.4), dbSNP rs376779611, ClinGen allele CA10252249.

ClinVar aggregate classification (germline): Likely benign. Review status: criteria provided, single submitter (1 of 4 stars). 2 submissions from 2 submitters: Likely benign (1). 1 of the submissions does not count toward it. Last evaluated 2024-06-19.

Conditions:
EP300-related disorder. Also called: EP300-related disorders; EP300-related condition.
Rubinstein-Taybi syndrome due to EP300 haploinsufficiency. Also called: EP300-Related Rubinstein-Taybi Syndrome; RUBINSTEIN-TAYBI SYNDROME 2. Identifiers: Orphanet 353284, Orphanet 783, MedGen C3150941, MONDO:0013364, OMIM 613684.

Allele frequency attached by ClinVar (database versions not stated): TOPMed 0.00002.
gnomAD v4.1: 42 of 1,614,090 alleles (0.0026%); highest among the groups gnomAD compares: African/African-American, 0.0053%; no homozygotes.

Submissions (2):

Labcorp Genetics (formerly Invitae), Labcorp
Classification: Likely benign for Rubinstein-Taybi syndrome due to EP300 haploinsufficiency. Last evaluated: 2024-06-19. Review status: criteria provided, single submitter. Criteria: Invitae Variant Classification Sherloc (09022015). Collection method: clinical testing. Allele origin: germline.

PreventionGenetics, part of Exact Sciences
Classification: Likely benign for EP300-related condition. Last evaluated: 2022-01-28. Review status: no assertion criteria provided. Collection method: clinical testing. Allele origin: germline. Not counted in ClinVar's aggregate classification.
Comment: This variant is classified as likely benign based on ACMG/AMP sequence variant interpretation guidelines (Richards et al. 2015 PMID: 25741868, with internal and published modifications).